The following is an entry in ClinVar:

ClinVar aggregate classification (germline): Uncertain significance. Review status: criteria provided, multiple submitters, no conflicts (2 of 4 stars). 4 submissions from 4 submitters: Uncertain significance (4). Last evaluated 2024-12-18.

Conditions:
Mandibular hypoplasia-deafness-progeroid syndrome. Also called: Mandibular hypoplasia, deafness, progeroid features, and lipodystrophy syndrome. Identifiers: Orphanet 363649, MedGen C3715192, MONDO:0014157, OMIM 615381.
POLD1-related polyposis and colorectal cancer syndrome (CRCS10). Also called: Colorectal cancer 10; COLORECTAL CANCER, SUSCEPTIBILITY TO, ON CHROMOSOME 19q; Colorectal cancer, susceptibility to, 10. Identifiers: Orphanet 220460, MedGen C2675481, MONDO:0012953, OMIM 612591.
Hereditary cancer-predisposing syndrome. Also called: Neoplastic Syndromes, Hereditary; Hereditary neoplastic syndrome; Tumor predisposition; Hereditary Cancer Syndrome. Identifiers: Orphanet 140162, MedGen C0027672, MeSH D009386, MONDO:0015356.

Allele frequency attached by ClinVar (database versions not stated): ExAC below 0.00001; gnomAD exomes below 0.00001; TOPMed below 0.00001; gnomAD 0.00003.
gnomAD v4.1: 1 of 1,611,896 alleles (0.000062%); highest among the groups gnomAD compares: Non-Finnish European, 0.000085%; no homozygotes.

Submissions (4):

Ambry Genetics
Classification: Uncertain significance for Hereditary cancer-predisposing syndrome. Last evaluated: 2024-12-18. Review status: criteria provided, single submitter. Criteria: Ambry Variant Classification Scheme 2023. Collection method: clinical testing. Allele origin: germline.
Comment: The c.2565-3C>G intronic variant results from a C to G substitution 3 nucleotides upstream from coding exon 20 in the POLD1 gene. This nucleotide position is highly conserved in available vertebrate species. In silico splice site analysis predicts that this alteration will weaken the native splice acceptor site and will result in the creation or strengthening of a novel splice acceptor site. Based on the available evidence, the clinical significance of this variant remains unclear.

Labcorp Genetics (formerly Invitae), Labcorp
Classification: Uncertain significance for POLD1-related polyposis and colorectal cancer syndrome. Last evaluated: 2024-08-13. Review status: criteria provided, single submitter. Criteria: Invitae Variant Classification Sherloc (09022015). Collection method: clinical testing. Allele origin: germline.
Comment: This sequence change falls in intron 20 of the POLD1 gene. It does not directly change the encoded amino acid sequence of the POLD1 protein. RNA analysis indicates that this variant induces altered splicing and may result in an absent or disrupted protein product. However, the current clinical and genetic evidence is not sufficient to establish whether loss-of-function variants in POLD1 cause disease. This variant is present in population databases (rs772419397, gnomAD 0.0008%). This variant has not been reported in the literature in individuals affected with POLD1-related conditions. ClinVar contains an entry for this variant (Variation ID: 421519). Variants that disrupt the consensus splice site are a relatively common cause of aberrant splicing (PMID: 17576681, 9536098). Studies have shown that this variant results in activation of a cryptic splice site and introduces a premature termination codon (Invitae). The resulting mRNA is expected to undergo nonsense-mediated decay. Missense variants that disrupt the 3'-5' exonuclease (proof-reading) activity of the POLD1 protein are associated with PPAP (polymerase proofreading–associated polyposis) (PMID: 23263490, 23447401). However, loss-of-function variants that result in an absent or severely disrupted POLD1 protein, and missense variants outside the exonuclease domain, are unlikely to be associated with PPAP. In summary, the available evidence is currently insufficient to determine the role of this variant in disease. Therefore, it has been classified as a Variant of Uncertain Significance.

Revvity Omics, Revvity
Classification: Uncertain significance for Mandibular hypoplasia-deafness-progeroid syndrome. Last evaluated: 2022-03-14. Review status: criteria provided, single submitter. Criteria: ACMG Guidelines, 2015. Collection method: clinical testing. Allele origin: germline.

GeneDx
Classification: Uncertain significance. Last evaluated: 2016-06-22. Review status: criteria provided, single submitter. Criteria: GeneDx Variant Classification (06012015). Collection method: clinical testing. Allele origin: germline. Affected: yes.
Comment: This variant is denoted POLD1 c.2565-3C>G or IVS20-3C>G and consists of a C>G nucleotide substitution at the -3 position of intron 20 of the POLD1 gene. Multiple in silico models predict this variant to destroy the nearby natural acceptor site and to possibly cause abnormal gene splicing; however, in the absence of RNA or functional studies, the actual effect of this variant is unknown. This variant has not, to our knowledge, been published in the literature as pathogenic or benign. POLD1 c.2565-3C>G was not observed in approximately 6,500 individuals of European and African American ancestry in the NHLBI Exome Sequencing Project, suggesting it is not a common benign variant in these populations. The cytosine (C) nucleotide that is altered is conserved through mammals. Based on currently available information, it is unclear whether POLD1 c.2565-3C>G is pathogenic or benign. We consider it to be a variant of uncertain significance.

Literature cited by the submitters: PubMed 17576681 (cited by Labcorp Genetics (formerly Invitae), Labcorp); PubMed 9536098 (cited by Labcorp Genetics (formerly Invitae), Labcorp); PubMed 23263490 (cited by Labcorp Genetics (formerly Invitae), Labcorp); PubMed 23447401 (cited by Labcorp Genetics (formerly Invitae), Labcorp).

NM_002691.4(POLD1):c.2565-3C>G

Gene: POLD1 (DNA polymerase delta 1, catalytic subunit; plus strand). Cytogenetic location: 19q13.33.
Variant type: single nucleotide variant.
Coding change: c.2565-3C>G on transcript NM_002691.4 (MANE Select); 3 bases into the intron before coding-DNA position 2565, C replaced by G.
Molecular consequence: intron variant.
Genome position (GRCh38, 1-based): chr19:50,415,435, C>G. VCF-style: chr19-50415435-C-G. GRCh37 (hg19) VCF-style: chr19-50918692-C-G.
Other names: c.2565-3C>G (LRG_785t1, NM_001256849.1); c.2643-3C>G (LRG_785t2, NM_001308632.1).
Identifiers: ClinVar variation 421519 (VCV000421519.14), dbSNP rs772419397, ClinGen allele CA9596589.
Genomic context (GRCh38, chr19:50,415,435, plus strand): 5'-GTGGAGGCACCAGCCTGGCCCTCAGTGCCTTTTGGTGACGCTGTGCGGCCCGCTCTCCTA[C>G]AGAGACCCTGAGGGCGCGGTGGCTCACGCACAGGACGTCATCTCGGACCTGCTGTGCAAC-3'